The following is an entry in ClinVar:

NM_000219.6(KCNE1):c.76A>C (p.Asn26His)

Gene: KCNE1 (potassium voltage-gated channel subfamily E regulatory subunit 1; minus strand). Cytogenetic location: 21q22.12.
Variant type: single nucleotide variant.
Coding change: c.76A>C on transcript NM_000219.6 (MANE Select); coding-DNA position 76, A replaced by C.
Protein change: p.Asn26His; replaces asparagine 26 with histidine.
Molecular consequence: missense variant.
Genome position (GRCh38, 1-based): chr21:34,449,559, T>G on the plus strand (A>C on the coding strand, the complement: KCNE1 is on the minus strand). VCF-style: chr21-34449559-T-G. GRCh37 (hg19) VCF-style: chr21-35821857-T-G.
Other names: c.76A>C, p.Asn26His (NM_001127668.4, NM_001127669.4, NM_001127670.4 and 4 more transcripts); short protein forms N26H.
Identifiers: ClinVar variation 3373981 (VCV003373981.2).
Genomic context (GRCh38, chr21:34,449,559, plus strand): 5'-AGAGGGCCTCCAGCTTGCCGTCACTGCTGCGGGGGGACCTGCGGGCCAGGCCCGACATGT[T>G]GCCACCCTGCTGAACTGTCTCCTGCCACAGCTTGGTCAGAAAGGGCGTCACCGCTGTGGT-3'
Protein context (NP_000210.2, residues 16-36): LWQETVQQGG[Asn26His]MSGLARRSPR

Conditions:
Long QT syndrome 5 (LQT5). Identifiers: Orphanet 101016, Orphanet 768, MedGen C1867904, MONDO:0013372, OMIM 613695.

Submission:

Roden Lab, Vanderbilt University Medical Center
No classification provided (evidence only). Condition: Long QT syndrome 5. Review status: no classification provided. Collection method: in vitro. Allele origin: not applicable. Functional consequence: Effect on ion channel function.
ClinVar note: "not provided" was previously submitted as the classification for the variant. However, the classification appeared to be based only on an observation of functional data so it was converted to no classification on 2025-07-30.